The following is an entry in ClinVar:

NM_001042492.3(NF1):c.7197G>T (p.Arg2399Ser)

Gene: NF1 (neurofibromin 1; plus strand). Cytogenetic location: 17q11.2.
Variant type: single nucleotide variant.
Coding change: c.7197G>T on transcript NM_001042492.3 (MANE Select); coding-DNA position 7197, G replaced by T.
Protein change: p.Arg2399Ser; replaces arginine 2399 with serine.
Molecular consequence: missense variant.
Genome position (GRCh38, 1-based): chr17:31,349,127, G>T. VCF-style: chr17-31349127-G-T. GRCh37 (hg19) VCF-style: chr17-29676145-G-T.
Other names: c.7134G>T, p.Arg2378Ser (NM_000267.4); short protein forms R2378S, R2399S.
Identifiers: ClinVar variation 2839410 (VCV002839410.3), dbSNP rs1555536017, ClinGen allele CA399016666.

ClinVar aggregate classification (germline): Uncertain significance (1 of 4 stars; one submission).

Conditions:
Neurofibromatosis, type 1 (NF1). Also called: Neurofibromatosis, type I; VON RECKLINGHAUSEN DISEASE; NEUROFIBROMATOSIS, TYPE I, SOMATIC; Peripheral type neurofibromatosis. Identifiers: Orphanet 636, MedGen C0027831, MONDO:0018975, OMIM 162200. Disease mechanism: loss of function.

Allele frequency attached by ClinVar (database versions not stated): gnomAD exomes below 0.00001.
gnomAD v4.1: 1 of 1,592,908 alleles (0.000063%); no homozygotes.

Submission:

Labcorp Genetics (formerly Invitae), Labcorp
Classification: Uncertain significance for Neurofibromatosis, type 1. Last evaluated: 2025-01-17. Review status: criteria provided, single submitter. Criteria: Invitae Variant Classification Sherloc (09022015). Collection method: clinical testing. Allele origin: germline.
Comment: This sequence change replaces arginine, which is basic and polar, with serine, which is neutral and polar, at codon 2378 of the NF1 protein (p.Arg2378Ser). This variant is not present in population databases (gnomAD no frequency). This variant has not been reported in the literature in individuals affected with NF1-related conditions. ClinVar contains an entry for this variant (Variation ID: 2839410). Invitae Evidence Modeling of protein sequence and biophysical properties (such as structural, functional, and spatial information, amino acid conservation, physicochemical variation, residue mobility, and thermodynamic stability) has been performed for this missense variant. However, the output from this modeling did not meet the statistical confidence thresholds required to predict the impact of this variant on NF1 protein function. In summary, the available evidence is currently insufficient to determine the role of this variant in disease. Therefore, it has been classified as a Variant of Uncertain Significance.